The following is an entry in ClinVar:

NM_006946.4(SPTBN2):c.5088G>A (p.Leu1696=)

Gene: SPTBN2 (spectrin beta, non-erythrocytic 2; minus strand). Cytogenetic location: 11q13.2.
Variant type: single nucleotide variant.
Coding change: c.5088G>A on transcript NM_006946.4 (MANE Select); coding-DNA position 5088, G replaced by A.
Protein change: p.Leu1696=; no amino-acid change (leucine 1696 retained).
Molecular consequence: synonymous variant.
Genome position (GRCh38, 1-based): chr11:66,692,638, C>T on the plus strand (G>A on the coding strand, the complement: SPTBN2 is on the minus strand). VCF-style: chr11-66692638-C-T. GRCh37 (hg19) VCF-style: chr11-66460109-C-T.
Other names: c.5088G>A (NM_006946.2).
Identifiers: ClinVar variation 1669825 (VCV001669825.10), dbSNP rs369435626, ClinGen allele CA6128369.
Genomic context (GRCh38, chr11:66,692,638, plus strand): 5'-CACCACCTCGCGCTCCTGGATCCACTGTTCCAGGTCATCCAGCTCGCGGCGGAGCTGGCA[C>T]AGCCGGAGGTGCTCCTGCAGGCGCTCCCGCCGCTCTCCAGCCAGCTCCTTCAGGCCGGCA-3'
Protein context (NP_008877.2, residues 1686-1706): RRERLQEHLR[Leu1696=]CQLRRELDDL

ClinVar aggregate classification (germline): Benign/Likely benign. Review status: criteria provided, multiple submitters, no conflicts (2 of 4 stars). 3 submissions from 3 submitters: Benign (1); Likely benign (2). Last evaluated 2025-10-01.

Allele frequency attached by ClinVar (database versions not stated): ExAC 0.00003; gnomAD exomes 0.00004; ESP Exome Variant Server 0.00008; TOPMed 0.00014; gnomAD 0.00015 and 0.00017.
gnomAD v4.1: 85 of 1,605,610 alleles (0.0053%); highest among the groups gnomAD compares: African/African-American, 0.045%; no homozygotes.

Submissions (3):

Labcorp Genetics (formerly Invitae), Labcorp
Classification: Likely benign. Last evaluated: 2025-10-01. Review status: criteria provided, single submitter. Criteria: Invitae Variant Classification Sherloc (09022015). Collection method: clinical testing. Allele origin: germline.

Athena Diagnostics
Classification: Benign. Last evaluated: 2025-06-23. Review status: criteria provided, single submitter. Criteria: Athena Diagnostics Criteria. Collection method: clinical testing. Allele origin: unknown.
Comment: The frequency of this variant in the general population is higher than would generally be expected for pathogenic variants in this gene. Computational tools yielded predictions that this variant is unlikely to have an effect on normal RNA splicing. This nucleotide position exhibits low evolutionary conservation.

Blueprint Genetics
Classification: Likely benign. Last evaluated: 2024-09-03. Review status: criteria provided, single submitter. Criteria: ACMG Guidelines, 2015. Collection method: clinical testing. Allele origin: germline.